The following is an entry in ClinVar:

NM_032888.4(COL27A1):c.37GCG[5] (p.Ala18del)

Gene: COL27A1 (collagen type XXVII alpha 1 chain; plus strand). Cytogenetic location: 9q32.
Variant type: Microsatellite.
Coding change: c.37GCG[5] on transcript NM_032888.4 (MANE Select); five copies in a row of the 3-base unit GCG starting at c.37; the reference has six copies in a row; one copy, 3 bases deleted.
Protein change: p.Ala18del; deletes alanine 18.
Molecular consequence: inframe deletion.
Genome position (GRCh38, 1-based): chr9:114,156,002-114,156,004, GCG deleted; deleting any 3 consecutive bases within chr9:114,155,987-114,156,004 gives the same sequence; the position shown is the placement nearest the transcript's 3' end. VCF-style (leftmost placement, unchanged base first): chr9-114155986-AGCG-A. GRCh37 (hg19) VCF-style: chr9-116918266-AGCG-A.
Other names: c.52_54delGCG (NM_032888.4); short protein forms A18del.
Identifiers: ClinVar variation 4535831 (VCV004535831.1).

ClinVar aggregate classification (germline): Uncertain significance (1 of 4 stars; one submission).

Submission:

Women's Health and Genetics/Laboratory Corporation of America, LabCorp
Classification: Uncertain significance. Last evaluated: 2025-09-04. Review status: criteria provided, single submitter. Criteria: LabCorp Variant Classification Summary - May 2015. Collection method: clinical testing. Allele origin: germline.
Comment: Variant summary: COL27A1 c.52_54delGCG (p.Ala18del) results in an in-frame deletion that is predicted to remove one amino acid from the encoded protein. The frequency data for this variant in gnomAD is considered unreliable, as metrics indicate poor data quality at this position. To our knowledge, no occurrence of c.52_54delGCG in individuals affected with COL27A1-related conditions and no experimental evidence demonstrating its impact on protein function have been reported. No submitters have cited clinical-significance assessments for this variant to ClinVar. Based on the evidence outlined above, the variant was classified as uncertain significance.